The following is an entry in ClinVar:

NM_014712.3(SETD1A):c.970T>C (p.Ser324Pro)

Gene: SETD1A (SET domain containing 1A, histone lysine methyltransferase; plus strand). Cytogenetic location: 16p11.2.
Variant type: single nucleotide variant.
Coding change: c.970T>C on transcript NM_014712.3 (MANE Select); coding-DNA position 970, T replaced by C.
Protein change: p.Ser324Pro; replaces serine 324 with proline.
Molecular consequence: missense variant.
Genome position (GRCh38, 1-based): chr16:30,964,712, T>C. VCF-style: chr16-30964712-T-C. GRCh37 (hg19) VCF-style: chr16-30976033-T-C.
Other names: short protein forms S324P.
Identifiers: ClinVar variation 3342014 (VCV003342014.16).

ClinVar aggregate classification (germline): Uncertain significance (1 of 4 stars; one submission).

Submission:

CeGaT Center for Human Genetics Tuebingen
Classification: Uncertain significance. Last evaluated: 2024-08-01. Review status: criteria provided, single submitter. Criteria: CeGaT Center For Human Genetics Tuebingen Variant Classification Criteria Version 2. Collection method: clinical testing. Allele origin: germline. Affected: yes. Observed: 1 variant allele.
Comment: SETD1A: PM2